The following is an entry in ClinVar:

ClinVar aggregate classification (germline): Uncertain significance (1 of 4 stars; one submission).

Allele frequency attached by ClinVar (database versions not stated): gnomAD exomes below 0.00001 and 0.00001; ExAC 0.00001; gnomAD 0.00001; TOPMed 0.00001; ESP Exome Variant Server 0.00008.
gnomAD v4.1: 8 of 1,613,606 alleles (0.0005%); highest among the groups gnomAD compares: Non-Finnish European, 0.00068%; no homozygotes.

Submission:

Labcorp Genetics (formerly Invitae), Labcorp
Classification: Uncertain significance. Last evaluated: 2024-09-19. Review status: criteria provided, single submitter. Criteria: Invitae Variant Classification Sherloc (09022015). Collection method: clinical testing. Allele origin: germline.
Comment: This sequence change replaces asparagine, which is neutral and polar, with lysine, which is basic and polar, at codon 1590 of the CACNA1D protein (p.Asn1590Lys). This variant is present in population databases (rs369377818, gnomAD 0.003%). This variant has not been reported in the literature in individuals affected with CACNA1D-related conditions. ClinVar contains an entry for this variant (Variation ID: 1476150). Invitae Evidence Modeling of protein sequence and biophysical properties (such as structural, functional, and spatial information, amino acid conservation, physicochemical variation, residue mobility, and thermodynamic stability) indicates that this missense variant is expected to disrupt CACNA1D protein function with a positive predictive value of 80%. In summary, the available evidence is currently insufficient to determine the role of this variant in disease. Therefore, it has been classified as a Variant of Uncertain Significance.

NM_001128840.3(CACNA1D):c.4710T>A (p.Asn1570Lys)

Gene: CACNA1D (calcium voltage-gated channel subunit alpha1 D; plus strand). Cytogenetic location: 3p21.1.
Variant type: single nucleotide variant.
Coding change: c.4710T>A on transcript NM_001128840.3 (MANE Select); coding-DNA position 4710, T replaced by A.
Protein change: p.Asn1570Lys; replaces asparagine 1570 with lysine.
Molecular consequence: missense variant.
Genome position (GRCh38, 1-based): chr3:53,781,585, T>A. VCF-style: chr3-53781585-T-A. GRCh37 (hg19) VCF-style: chr3-53815612-T-A.
Other names: c.4770T>A, p.Asn1590Lys (NM_000720.4); c.4665T>A, p.Asn1555Lys (NM_001128839.3); short protein forms N1555K, N1570K, N1590K.
Identifiers: ClinVar variation 1476150 (VCV001476150.6), dbSNP rs369377818, ClinGen allele CA2454968.